The following is an entry in ClinVar:

NM_001130965.3(SUN1):c.220G>A (p.Asp74Asn)

Gene: SUN1 (Sad1 and UNC84 domain containing 1; plus strand). Cytogenetic location: 7p22.3.
Variant type: single nucleotide variant.
Coding change: c.220G>A on transcript NM_001130965.3 (MANE Select); coding-DNA position 220, G replaced by A.
Protein change: p.Asp74Asn; replaces aspartic acid 74 with asparagine.
Molecular consequence: missense variant. On other transcripts: 5 prime UTR variant (2), non-coding transcript variant (3), intron variant (2).
Genome position (GRCh38, 1-based): chr7:838,940, G>A. VCF-style: chr7-838940-G-A. GRCh37 (hg19) VCF-style: chr7-878577-G-A.
Other names: c.220G>A, p.Asp74Asn (NM_001171944.2, NM_001171946.2, NM_001367633.1 and 34 more transcripts); c.283G>A, p.Asp95Asn (NM_001171945.2); c.-238G>A (NM_001367635.1); c.70G>A, p.Asp24Asn (NM_001367636.1, NM_001367637.1, NM_001367644.1 and 24 more transcripts); c.439G>A, p.Asp147Asn (NM_001367651.1); c.-542G>A (NM_001367658.1); c.78-3006G>A (NM_001367695.1); c.-301-3006G>A (NM_001367639.1); short protein forms D74N, D147N, D24N, D95N.
Identifiers: ClinVar variation 461651 (VCV000461651.8), dbSNP rs374767640, ClinGen allele CA4111414.

ClinVar aggregate classification (germline): Uncertain significance (1 of 4 stars; one submission).

Conditions:
Emery-Dreifuss muscular dystrophy (EDMD). Also called: Scapuloperoneal syndrome, X-linked (formerly); Humeroperoneal neuromuscular disease, (formerly). Identifiers: Orphanet 261, MedGen C0410189, MONDO:0016830.

Allele frequency attached by ClinVar (database versions not stated): TOPMed 0.00003; gnomAD 0.00004 and 0.00005; gnomAD exomes 0.00005; ExAC 0.00006; ESP Exome Variant Server 0.00008.
gnomAD v4.1: 65 of 1,609,166 alleles (0.004%); highest among the groups gnomAD compares: Middle Eastern, 0.033%; 1 homozygote.

Submission:

Labcorp Genetics (formerly Invitae), Labcorp
Classification: Uncertain significance for Emery-Dreifuss muscular dystrophy. Last evaluated: 2026-01-24. Review status: criteria provided, single submitter. Criteria: Invitae Variant Classification Sherloc (09022015). Collection method: clinical testing. Allele origin: germline.
Comment: This sequence change replaces aspartic acid, which is acidic and polar, with asparagine, which is neutral and polar, at codon 74 of the SUN1 protein (p.Asp74Asn). This variant is present in population databases (rs374767640, gnomAD 0.01%). This variant has not been reported in the literature in individuals affected with SUN1-related conditions. ClinVar contains an entry for this variant (Variation ID: 461651). An algorithm developed to predict the effect of missense changes on protein structure and function outputs the following: PolyPhen-2: "Benign". The asparagine amino acid residue is found in multiple mammalian species, which suggests that this missense change does not adversely affect protein function. In summary, the available evidence is currently insufficient to determine the role of this variant in disease. Therefore, it has been classified as a Variant of Uncertain Significance.